The following is an entry in ClinVar:

ClinVar aggregate classification (germline): Pathogenic (1 of 4 stars; one submission).

Conditions:
Charcot-Marie-Tooth disease type 2. Also called: Charcot-Marie-Tooth type 2. Identifiers: Orphanet 64746, MedGen C0270914, MONDO:0018993.

Submission:

Labcorp Genetics (formerly Invitae), Labcorp
Classification: Pathogenic for Charcot-Marie-Tooth disease type 2. Last evaluated: 2022-07-13. Review status: criteria provided, single submitter. Criteria: Invitae Variant Classification Sherloc (09022015). Collection method: clinical testing. Allele origin: germline.
Comment: For these reasons, this variant has been classified as Pathogenic. This sequence change replaces asparagine, which is neutral and polar, with lysine, which is basic and polar, at codon 39 of the LMNA protein (p.Asn39Lys). This variant is not present in population databases (gnomAD no frequency). This missense change has been observed in individual(s) with congenital muscular dystrophy (PMID: 26098624, 34240052). In at least one individual the variant was observed to be de novo. Algorithms developed to predict the effect of missense changes on protein structure and function (SIFT, PolyPhen-2, Align-GVGD) all suggest that this variant is likely to be disruptive. This variant disrupts the p.Asn39 amino acid residue in LMNA. Other variant(s) that disrupt this residue have been determined to be pathogenic (PMID: 17377071, 20980393, 26098624; Invitae). This suggests that this residue is clinically significant, and that variants that disrupt this residue are likely to be disease-causing.

Literature cited by the submitters: PubMed 26098624; PubMed 34240052; PubMed 17377071; PubMed 20980393.

NM_170707.4(LMNA):c.117T>A (p.Asn39Lys)

Gene: LMNA (lamin A/C; plus strand). Cytogenetic location: 1q22.
Variant type: single nucleotide variant.
Coding change: c.117T>A on transcript NM_170707.4 (MANE Select); coding-DNA position 117, T replaced by A.
Protein change: p.Asn39Lys; replaces asparagine 39 with lysine.
Molecular consequence: missense variant.
Genome position (GRCh38, 1-based): chr1:156,115,035, T>A. VCF-style: chr1-156115035-T-A. GRCh37 (hg19) VCF-style: chr1-156084826-T-A.
Other names: c.117T>A, p.Asn39Lys (NM_001282625.2, NM_001282626.2, NM_001406983.1 and 6 more transcripts); c.-307T>A (NM_001406986.1); c.-285T>A (NM_001406990.1, NM_001406995.1, NM_001407002.1); c.-548T>A (NM_001406994.1, NM_001407000.1); c.-728T>A (NM_001406999.1); c.-391T>A (NM_001407001.1); short protein forms N39K.
Identifiers: ClinVar variation 2098082 (VCV002098082.4), dbSNP rs2527831101, ClinGen allele CA342807688.